The following is an entry in ClinVar:

NM_001386795.1(DTNA):c.*2646T>C

Gene: DTNA (dystrobrevin alpha; plus strand). Cytogenetic location: 18q12.1.
Variant type: single nucleotide variant.
Coding change: c.*2646T>C on transcript NM_001386795.1 (MANE Select); 2646 bases downstream of the stop codon, T replaced by C.
Molecular consequence: 3 prime UTR variant. On other transcripts: synonymous variant (2).
Genome position (GRCh38, 1-based): chr18:34,890,380, T>C. VCF-style: chr18-34890380-T-C. GRCh37 (hg19) VCF-style: chr18-32470344-T-C.
Other names: c.2115T>C, p.Phe705= (NM_001198938.2, NM_001386753.1); c.*2646T>C (NM_001198939.2, NM_001198940.2, NM_001198942.1 and 12 more transcripts); c.*112T>C (NM_001386755.1, NM_001386756.1, NM_001386759.1 and 7 more transcripts).
Identifiers: ClinVar variation 389248 (VCV000389248.2), dbSNP rs544029767, ClinGen allele CA16607975.

ClinVar aggregate classification (germline): Likely benign. Review status: criteria provided, multiple submitters, no conflicts (2 of 4 stars). 2 submissions from 2 submitters: Likely benign (2). Last evaluated 2024-11-21.

Allele frequency attached by ClinVar (database versions not stated): gnomAD 0.00005; gnomAD exomes 0.00007 and 0.00009; TOPMed 0.00007.
gnomAD v4.1: 106 of 1,536,048 alleles (0.0069%); highest among the groups gnomAD compares: Non-Finnish European, 0.0085%; no homozygotes.

Submissions (2):

Blueprint Genetics
Classification: Likely benign. Last evaluated: 2024-11-21. Review status: criteria provided, single submitter. Criteria: ACMG Guidelines, 2015. Collection method: clinical testing. Allele origin: germline.

GeneDx
Classification: Likely benign. Last evaluated: 2016-09-08. Review status: criteria provided, single submitter. Criteria: GeneDx Variant Classification (06012015). Collection method: clinical testing. Allele origin: germline. Affected: yes.
Comment: This variant is considered likely benign or benign based on one or more of the following criteria: it is a conservative change, it occurs at a poorly conserved position in the protein, it is predicted to be benign by multiple in silico algorithms, and/or has population frequency not consistent with disease.